The following is an entry in ClinVar:

ClinVar aggregate classification (germline): Uncertain significance (1 of 4 stars; one submission).

Conditions:
Inborn genetic diseases. Identifiers: MedGen C0950123, MeSH D030342.

Allele frequency attached by ClinVar (database versions not stated): TOPMed below 0.00001; gnomAD exomes 0.00001; gnomAD 0.00001.

Submission:

Ambry Genetics
Classification: Uncertain significance for Inborn genetic diseases. Last evaluated: 2024-02-04. Review status: criteria provided, single submitter. Criteria: Ambry Variant Classification Scheme 2023. Collection method: clinical testing. Allele origin: germline.
Comment: The p.L62P variant (also known as c.185T>C), located in coding exon 1 of the ACD gene, results from a T to C substitution at nucleotide position 185. The leucine at codon 62 is replaced by proline, an amino acid with similar properties. This amino acid position is conserved. In addition, the in silico prediction for this alteration is inconclusive. Since supporting evidence is limited at this time, the clinical significance of this alteration remains unclear.

NM_001082486.1(ACD):c.185T>C (p.Leu62Pro)

Gene: ACD (ACD shelterin complex subunit and telomerase recruitment factor; minus strand). Cytogenetic location: 16q22.1.
Variant type: single nucleotide variant.
Coding change: c.185T>C on transcript NM_001082486.1; coding-DNA position 185, T replaced by C.
Protein change: p.Leu62Pro; replaces leucine 62 with proline.
Genome position (GRCh38, 1-based): chr16:67,660,294, A>G on the plus strand (T>C on the coding strand, the complement: ACD is on the minus strand). VCF-style: chr16-67660294-A-G. GRCh37 (hg19) VCF-style: chr16-67694197-A-G.
Other names: short protein forms L62P.
Identifiers: ClinVar variation 1781483 (VCV001781483.2), dbSNP rs1373085952, ClinGen allele CA396359480.